The following is an entry in ClinVar:

ClinVar aggregate classification (germline): Uncertain significance. Review status: criteria provided, multiple submitters, no conflicts (2 of 4 stars). 2 submissions from 2 submitters: Uncertain significance (2). Last evaluated 2025-07-08.

Conditions:
CHARGE syndrome (CHARGE). Also called: Hittner Hirsch Kreh syndrome; CHARGE ASSOCIATION--COLOBOMA, HEART ANOMALY, CHOANAL ATRESIA, RETARDATION, GENITAL AND EAR ANOMALIES; Coloboma, heart anomaly, choanal atresia, retardation, genital and ear anomalies; CHARGE association; Hall-Hittner syndrome. Identifiers: Orphanet 138, MedGen C0265354, MONDO:0008965.
Hypogonadotropic hypogonadism 5 with or without anosmia (KAL5). Also called: CHD7-Related GnRH Deficiency (Kallmann Syndrome 5); HYPOGONADOTROPIC HYPOGONADISM 5 WITH ANOSMIA; HYPOGONADOTROPHIC HYPOGONADISM 5 WITHOUT ANOSMIA. Identifiers: Orphanet 478, MedGen C3552553, MONDO:0012880, OMIM 612370. Disease mechanism: loss of function.

gnomAD v4.1: 1 of 1,609,892 alleles (0.000062%); highest among the groups gnomAD compares: Non-Finnish European, 0.000085%; no homozygotes.

Submissions (2):

Labcorp Genetics (formerly Invitae), Labcorp
Classification: Uncertain significance for CHARGE syndrome. Last evaluated: 2025-07-08. Review status: criteria provided, single submitter. Criteria: Invitae Variant Classification Sherloc (09022015). Collection method: clinical testing. Allele origin: germline.
Comment: This sequence change replaces aspartic acid, which is acidic and polar, with glutamic acid, which is acidic and polar, at codon 2321 of the CHD7 protein (p.Asp2321Glu). This variant is not present in population databases (gnomAD no frequency). This variant has not been reported in the literature in individuals affected with CHD7-related conditions. ClinVar contains an entry for this variant (Variation ID: 3595754). Invitae Evidence Modeling of protein sequence and biophysical properties (such as structural, functional, and spatial information, amino acid conservation, physicochemical variation, residue mobility, and thermodynamic stability) indicates that this missense variant is not expected to disrupt CHD7 protein function with a negative predictive value of 95%. In summary, the available evidence is currently insufficient to determine the role of this variant in disease. Therefore, it has been classified as a Variant of Uncertain Significance.

Fulgent Genetics
Classification: Uncertain significance for CHD7-related CHARGE syndrome; Hypogonadotropic hypogonadism 5 with or without anosmia. Last evaluated: 2024-04-10. Review status: criteria provided, single submitter. Criteria: ACMG Guidelines, 2015. Collection method: clinical testing. Allele origin: germline.

NM_017780.4(CHD7):c.6963C>A (p.Asp2321Glu)

Gene: CHD7 (chromodomain helicase DNA binding protein 7; plus strand). Cytogenetic location: 8q12.2.
Variant type: single nucleotide variant.
Coding change: c.6963C>A on transcript NM_017780.4 (MANE Select); coding-DNA position 6963, C replaced by A.
Protein change: p.Asp2321Glu; replaces aspartic acid 2321 with glutamic acid.
Molecular consequence: missense variant. On other transcripts: intron variant (1).
Genome position (GRCh38, 1-based): chr8:60,856,001, C>A. VCF-style: chr8-60856001-C-A. GRCh37 (hg19) VCF-style: chr8-61768560-C-A.
Other names: c.1717-6228C>A (NM_001316690.1); short protein forms D2321E.
Identifiers: ClinVar variation 3595754 (VCV003595754.2).